The following is an entry in ClinVar:

ClinVar aggregate classification (germline): Uncertain significance (1 of 4 stars; one submission).

Allele frequency attached by ClinVar (database versions not stated): gnomAD 0.00001; gnomAD exomes 0.00001; TOPMed 0.00001.
gnomAD v4.1: 4 of 1,614,096 alleles (0.00025%); highest among the groups gnomAD compares: East Asian, 0.0045%; no homozygotes.

Submission:

Labcorp Genetics (formerly Invitae), Labcorp
Classification: Uncertain significance. Last evaluated: 2022-03-28. Review status: criteria provided, single submitter. Criteria: Invitae Variant Classification Sherloc (09022015). Collection method: clinical testing. Allele origin: germline.
Comment: This sequence change replaces aspartic acid, which is acidic and polar, with glycine, which is neutral and non-polar, at codon 1508 of the CEP152 protein (p.Asp1508Gly). This variant is present in population databases (no rsID available, gnomAD 0.006%). This variant has not been reported in the literature in individuals affected with CEP152-related conditions. Algorithms developed to predict the effect of missense changes on protein structure and function are either unavailable or do not agree on the potential impact of this missense change (SIFT: "Deleterious"; PolyPhen-2: "Probably Damaging"; Align-GVGD: "Class C0"). In summary, the available evidence is currently insufficient to determine the role of this variant in disease. Therefore, it has been classified as a Variant of Uncertain Significance.

NM_001194998.2(CEP152):c.4691A>G (p.Asp1564Gly)

Gene: CEP152 (centrosomal protein 152; minus strand). Cytogenetic location: 15q21.1.
Variant type: single nucleotide variant.
Coding change: c.4691A>G on transcript NM_001194998.2 (MANE Select); coding-DNA position 4691, A replaced by G.
Protein change: p.Asp1564Gly; replaces aspartic acid 1564 with glycine.
Molecular consequence: missense variant.
Genome position (GRCh38, 1-based): chr15:48,738,691, T>C on the plus strand (A>G on the coding strand, the complement: CEP152 is on the minus strand). VCF-style: chr15-48738691-T-C. GRCh37 (hg19) VCF-style: chr15-49030888-T-C.
Other names: c.4523A>G, p.Asp1508Gly (NM_014985.4); short protein forms D1508G, D1564G.
Identifiers: ClinVar variation 1948009 (VCV001948009.2), dbSNP rs374116946, ClinGen allele CA392333866.
Genomic context (GRCh38, chr15:48,738,691, plus strand): 5'-TCAAAGGATAAGGTTGCACTGCTGGAAGGCCAGCCCAAGCAGTCACTAAGGTCCCCTCCA[T>C]CTTTTACTGGAGGTTCCTGAACATCCAAACCTTGACTTTTCTCAGATGCAGCATTTTCAC-3'
Protein context (NP_001181927.1, residues 1554-1574): GLDVQEPPVK[Asp1564Gly]GGDLSDCLGW